The following is an entry in ClinVar:

ClinVar aggregate classification (germline): Uncertain significance (1 of 4 stars; one submission).

Conditions:
Primary ciliary dyskinesia. Also called: Ciliary dyskinesia. Identifiers: Orphanet 244, MedGen C0008780, MONDO:0016575, HP:0012265.

Submission:

Labcorp Genetics (formerly Invitae), Labcorp
Classification: Uncertain significance for Primary ciliary dyskinesia. Last evaluated: 2023-11-23. Review status: criteria provided, single submitter. Criteria: Invitae Variant Classification Sherloc (09022015). Collection method: clinical testing. Allele origin: germline.
Comment: This sequence change replaces histidine, which is basic and polar, with leucine, which is neutral and non-polar, at codon 1923 of the DNAH8 protein (p.His1923Leu). Information on the frequency of this variant in the gnomAD database is not available, as this variant may be reported differently in the database. This variant has not been reported in the literature in individuals affected with DNAH8-related conditions. Experimental studies and prediction algorithms are not available or were not evaluated, and the functional significance of this variant is currently unknown. In summary, the available evidence is currently insufficient to determine the role of this variant in disease. Therefore, it has been classified as a Variant of Uncertain Significance.

NM_001206927.2(DNAH8):c.5768_5769delinsTT (p.His1923Leu)

Gene: DNAH8 (dynein axonemal heavy chain 8; plus strand). Cytogenetic location: 6p21.2.
Variant type: Indel.
Coding change: c.5768_5769delinsTT on transcript NM_001206927.2 (MANE Select); coding-DNA positions 5768 to 5769, AC replaced by TT.
Protein change: p.His1923Leu; replaces histidine 1923 with leucine.
Molecular consequence: missense variant.
Genome position (GRCh38, 1-based): chr6:38,857,552-38,857,553, AC replaced by TT. VCF-style: chr6-38857552-AC-TT. GRCh37 (hg19) VCF-style: chr6-38825328-AC-TT.
Other names: c.5117_5118delinsTT, p.His1706Leu (NM_001371.4); short protein forms H1923L, H1706L.
Identifiers: ClinVar variation 2731218 (VCV002731218.2), dbSNP rs2532948966, ClinGen allele CA2697553347.